The following is an entry in ClinVar:

NM_177438.3(DICER1):c.860C>T (p.Ser287Phe)

Gene: DICER1 (dicer 1, ribonuclease III; minus strand). Cytogenetic location: 14q32.13.
Variant type: single nucleotide variant.
Coding change: c.860C>T on transcript NM_177438.3 (MANE Select); coding-DNA position 860, C replaced by T.
Protein change: p.Ser287Phe; replaces serine 287 with phenylalanine.
Molecular consequence: missense variant. On other transcripts: 5 prime UTR variant (1), non-coding transcript variant (6).
Genome position (GRCh38, 1-based): chr14:95,126,623, G>A on the plus strand (C>T on the coding strand, the complement: DICER1 is on the minus strand). VCF-style: chr14-95126623-G-A. GRCh37 (hg19) VCF-style: chr14-95592960-G-A.
Other names: c.860C>T, p.Ser287Phe (NM_001195573.1, NM_001271282.3, NM_001291628.2 and 15 more transcripts); c.578C>T, p.Ser193Phe (NM_001395686.1); c.455C>T, p.Ser152Phe (NM_001395687.1, NM_001395688.1, NM_001395689.1 and 3 more transcripts); c.293C>T, p.Ser98Phe (NM_001395691.1); c.-709C>T (NM_001395697.1); short protein forms S152F, S193F, S287F, S98F.
Identifiers: ClinVar variation 3229453 (VCV003229453.1), dbSNP rs1060503600, ClinGen allele CA390887510.

ClinVar aggregate classification (germline): Uncertain significance (1 of 4 stars; one submission).

Conditions:
Hereditary cancer-predisposing syndrome. Also called: Neoplastic Syndromes, Hereditary; Tumor predisposition; Hereditary neoplastic syndrome; Hereditary Cancer Syndrome. Identifiers: Orphanet 140162, MedGen C0027672, MeSH D009386, MONDO:0015356.

Submission:

Ambry Genetics
Classification: Uncertain significance for Hereditary cancer-predisposing syndrome. Last evaluated: 2022-11-17. Review status: criteria provided, single submitter. Criteria: Ambry Variant Classification Scheme 2023. Collection method: clinical testing. Allele origin: germline.
Comment: The p.S287F variant (also known as c.860C>T), located in coding exon 6 of the DICER1 gene, results from a C to T substitution at nucleotide position 860. The serine at codon 287 is replaced by phenylalanine, an amino acid with highly dissimilar properties. This amino acid position is conserved. In addition, this alteration is predicted to be tolerated by in silico analysis. Since supporting evidence is limited at this time, the clinical significance of this alteration remains unclear.